The following is an entry in ClinVar:

NM_014845.6(FIG4):c.1355A>G (p.Asp452Gly)

Gene: FIG4 (FIG4 phosphoinositide 5-phosphatase; plus strand). Cytogenetic location: 6q21.
Variant type: single nucleotide variant.
Coding change: c.1355A>G on transcript NM_014845.6 (MANE Select); coding-DNA position 1355, A replaced by G.
Protein change: p.Asp452Gly; replaces aspartic acid 452 with glycine.
Molecular consequence: missense variant.
Genome position (GRCh38, 1-based): chr6:109,762,174, A>G. VCF-style: chr6-109762174-A-G. GRCh37 (hg19) VCF-style: chr6-110083377-A-G.
Other names: short protein forms D452G.
Identifiers: ClinVar variation 1046271 (VCV001046271.9), dbSNP rs1777129902, ClinGen allele CA365226308.
Genomic context (GRCh38, chr6:109,762,174, plus strand): 5'-GACTAAATGTGATTGCAGAAAGTGTGGTGAAGAAAACAGGTTTCTTTGTAAACCGCCCTG[A>G]TTCTTACTGTAGCATTTTGCGGCCAGATGAAAAGTATGTATGGTATTTTAAAACTTATAA-3'
Protein context (NP_055660.1, residues 442-462): KKTGFFVNRP[Asp452Gly]SYCSILRPDE

ClinVar aggregate classification (germline): Uncertain significance (1 of 4 stars; one submission).

Conditions:
Charcot-Marie-Tooth disease type 4. Also called: Charcot-Marie-Tooth disease, type IV; Charcot-Marie-Tooth, Type 4. Identifiers: Orphanet 64749, MedGen C4082197, MONDO:0018995.

Submission:

Labcorp Genetics (formerly Invitae), Labcorp
Classification: Uncertain significance for Charcot-Marie-Tooth disease type 4. Last evaluated: 2020-08-03. Review status: criteria provided, single submitter. Criteria: Invitae Variant Classification Sherloc (09022015). Collection method: clinical testing. Allele origin: germline.
Comment: In summary, the available evidence is currently insufficient to determine the role of this variant in disease. Therefore, it has been classified as a Variant of Uncertain Significance. Algorithms developed to predict the effect of missense changes on protein structure and function (SIFT, PolyPhen-2, Align-GVGD) all suggest that this variant is likely to be tolerated, but these predictions have not been confirmed by published functional studies and their clinical significance is uncertain. This variant has not been reported in the literature in individuals with FIG4-related conditions. This variant is not present in population databases (ExAC no frequency). This sequence change replaces aspartic acid with glycine at codon 452 of the FIG4 protein (p.Asp452Gly). The aspartic acid residue is highly conserved and there is a moderate physicochemical difference between aspartic acid and glycine.